The following is an entry in ClinVar:

NM_001278716.2(FBXL4):c.1318-16T>C

Gene: FBXL4 (F-box and leucine rich repeat protein 4; minus strand). Cytogenetic location: 6q16.1.
Variant type: single nucleotide variant.
Coding change: c.1318-16T>C on transcript NM_001278716.2 (MANE Select); 16 bases into the intron before coding-DNA position 1318, T replaced by C.
Molecular consequence: intron variant.
Genome position (GRCh38, 1-based): chr6:98,880,640, A>G on the plus strand (T>C on the coding strand, the complement: FBXL4 is on the minus strand). VCF-style: chr6-98880640-A-G. GRCh37 (hg19) VCF-style: chr6-99328516-A-G.
Other names: c.1318-16T>C (NM_012160.5).
Identifiers: ClinVar variation 437731 (VCV000437731.5), dbSNP rs768679543, ClinGen allele CA3933476.

ClinVar aggregate classification (germline): Conflicting classifications of pathogenicity. Review status: criteria provided, conflicting classifications (1 of 4 stars). 2 submissions from 2 submitters: Uncertain significance (1); Likely benign (1). Last evaluated 2025-07-15.

Conditions:
Mitochondrial DNA depletion syndrome 13. Also called: FBXL4-Related Encephalomyopathic Mitochondrial DNA Depletion Syndrome; Mitochondrial DNA depletion syndrome 13 (encephalomyopathic type). Identifiers: Orphanet 369897, MedGen C3809592, MONDO:0014198, OMIM 615471.

Allele frequency attached by ClinVar (database versions not stated): gnomAD exomes below 0.00001; ExAC 0.00001; gnomAD 0.00003 and 0.00004; TOPMed 0.00004.
gnomAD v4.1: 8 of 1,610,134 alleles (0.0005%); highest among the groups gnomAD compares: African/African-American, 0.011%; no homozygotes.

Submissions (2):

Labcorp Genetics (formerly Invitae), Labcorp
Classification: Likely benign. Last evaluated: 2025-07-15. Review status: criteria provided, single submitter. Criteria: Invitae Variant Classification Sherloc (09022015). Collection method: clinical testing. Allele origin: germline.

Wong Mito Lab, Molecular and Human Genetics, Baylor College of Medicine
Classification: Uncertain significance for Mitochondrial DNA depletion syndrome 13. Last evaluated: 2017-08-10. Review status: criteria provided, single submitter. Criteria: ACMG Guidelines, 2015. Collection method: reference population. Allele origin: germline.
Comment: The NM_012160.4:c.1318-16T>C (NP_036292.2:p.=) [GRCH38: NC_000006.12:g.98880640A>G] variant in FBXL4 gene is interpretated to be a Uncertain Significance - Insufficient Evidence based on ACMG guidelines (PMID: 25741868). This variant meets one or more of the following evidence codes reported in the ACMG-guideline. PM2:This variant is absent in key population databases. Based on this evidence code ClinGen Pathogenicity Calculator (PMID:28081714) suggested that the variant is Uncertain Significance - Insufficient Evidence.